The following is an entry in ClinVar:

ClinVar aggregate classification (germline): Likely pathogenic. Review status: criteria provided, multiple submitters, no conflicts (2 of 4 stars). 2 submissions from 2 submitters: Likely pathogenic (2). Last evaluated 2024-03-28.

Conditions:
Dilated cardiomyopathy 1G (CMD1G). Identifiers: Orphanet 154, MedGen C1858763, MONDO:0011400, OMIM 604145.
Autosomal recessive limb-girdle muscular dystrophy type 2J (LGMDR10). Also called: Limb-girdle muscular dystrophy, type 2J; MUSCULAR DYSTROPHY, LIMB-GIRDLE, AUTOSOMAL RECESSIVE 10. Identifiers: Orphanet 140922, MedGen C1837342, MONDO:0012127, OMIM 608807.
Cardiovascular phenotype. Identifiers: MedGen CN230736.

Submissions (2):

Labcorp Genetics (formerly Invitae), Labcorp
Classification: Likely pathogenic for Dilated cardiomyopathy 1G; Autosomal recessive limb-girdle muscular dystrophy type 2J. Last evaluated: 2024-03-28. Review status: criteria provided, single submitter. Criteria: Invitae Variant Classification Sherloc (09022015). Collection method: clinical testing. Allele origin: germline.
Comment: This sequence change creates a premature translational stop signal (p.Gln25664*) in the TTN gene. While this is not anticipated to result in nonsense mediated decay, it is expected to create a truncated TTN protein. This variant is not present in population databases (gnomAD no frequency). This premature translational stop signal has been observed in individual(s) with dilated cardiomyopathy (PMID: 35653365). ClinVar contains an entry for this variant (Variation ID: 2586546). This variant is located in the A band of TTN (PMID: 25589632). Truncating variants in this region are significantly overrepresented in patients affected with dilated cardiomyopathy (PMID: 25589632). Truncating variants in this region have also been reported in individuals affected with autosomal recessive centronuclear myopathy (PMID: 23975875). In summary, the currently available evidence indicates that the variant is pathogenic, but additional data are needed to prove that conclusively. Therefore, this variant has been classified as Likely Pathogenic.

Ambry Genetics
Classification: Likely pathogenic for Cardiovascular phenotype. Last evaluated: 2023-08-17. Review status: criteria provided, single submitter. Criteria: Ambry Variant Classification Scheme 2023. Collection method: clinical testing. Allele origin: germline.
Comment: The p.Q16599* variant (also known as c.49795C>T), located in coding exon 153 of the TTN gene, results from a C to T substitution at nucleotide position 49795. This changes the amino acid from a glutamine to a stop codon within coding exon 153. This exon is located in the A-band region of the N2-B isoform of the titin protein and is constitutively expressed in TTN transcripts (percent spliced in or PSI 100%). This alteration has been reported in a cardiomyopathy cohort (Stava TT et al. Eur J Prev Cardiol, 2022 Oct;29:1789-1799). This variant is considered to be rare based on population cohorts in the Genome Aggregation Database (gnomAD). This alteration is expected to result in loss of function by premature protein truncation or nonsense-mediated mRNA decay. While truncating variants in TTN are present in 1-3% of the general population, truncating variants in the A-band are the most common cause of dilated cardiomyopathy (DCM) (Herman DS et al. N. Engl. J. Med., 2012 Feb;366:619-28; Roberts AM et al. Sci Transl Med, 2015 Jan;7:270ra6). TTN truncating variants encoded in constitutive exons (PSI >90%) have been found to be significantly associated with DCM regardless of their position in titin (Schafer S et al. Nat. Genet., 2017 01;49:46-53). Based on the majority of available evidence to date, this variant is likely to be pathogenic.

Literature cited by the submitters: PubMed 35653365 (cited by Labcorp Genetics (formerly Invitae), Labcorp and Ambry Genetics); PubMed 25589632 (cited by Labcorp Genetics (formerly Invitae), Labcorp); PubMed 23975875 (cited by Labcorp Genetics (formerly Invitae), Labcorp).

NM_001267550.2(TTN):c.76990C>T (p.Gln25664Ter)

Genes: TTN-AS1 (TTN antisense RNA 1; plus strand), TTN (titin; minus strand). Cytogenetic location: 2q31.2.
Variant type: single nucleotide variant.
Coding change: c.76990C>T on transcript NM_001267550.2 (MANE Select); coding-DNA position 76990, C replaced by T.
Protein change: p.Gln25664Ter; replaces glutamine 25664 with a stop codon.
Molecular consequence: nonsense.
Genome position (GRCh38, 1-based): chr2:178,569,142, G>A on the plus strand (C>T on the coding strand, the complement: TTN is on the minus strand). VCF-style: chr2-178569142-G-A. GRCh37 (hg19) VCF-style: chr2-179433869-G-A.
Other names: c.72067C>T, p.Gln24023Ter (NM_001256850.1); c.49795C>T, p.Gln16599Ter (NM_003319.4); c.69286C>T, p.Gln23096Ter (NM_133378.4); c.50170C>T, p.Gln16724Ter (NM_133432.3); c.50371C>T, p.Gln16791Ter (NM_133437.4); short protein forms Q25664*, Q16724*, Q16791*, Q23096*, Q24023*, Q16599*.
Identifiers: ClinVar variation 2586546 (VCV002586546.5), dbSNP rs1707186504, ClinGen allele CA349613017.